The following is an entry in ClinVar:

NM_198576.4(AGRN):c.4730C>T (p.Pro1577Leu)

Gene: AGRN (agrin; plus strand). Cytogenetic location: 1p36.33.
Variant type: single nucleotide variant.
Coding change: c.4730C>T on transcript NM_198576.4 (MANE Select); coding-DNA position 4730, C replaced by T.
Protein change: p.Pro1577Leu; replaces proline 1577 with leucine.
Molecular consequence: missense variant.
Genome position (GRCh38, 1-based): chr1:1,049,781, C>T. VCF-style: chr1-1049781-C-T. GRCh37 (hg19) VCF-style: chr1-985161-C-T.
Other names: c.4730C>T, p.Pro1577Leu (NM_001305275.2); c.4415C>T, p.Pro1472Leu (NM_001364727.2); short protein forms P1472L, P1577L.
Identifiers: ClinVar variation 1041945 (VCV001041945.5), dbSNP rs1271577167, ClinGen allele CA337779248.

ClinVar aggregate classification (germline): Uncertain significance (1 of 4 stars; one submission).

Conditions:
Congenital myasthenic syndrome 8. Also called: MYASTHENIC SYNDROME, CONGENITAL, DUE TO AGRIN DEFICIENCY; Myasthenic syndrome, congenital, 8, with pre- and postsynaptic defects. Identifiers: Orphanet 590, MedGen C3808739, MONDO:0014052, OMIM 615120.

Allele frequency attached by ClinVar (database versions not stated): gnomAD exomes 0.00001; TOPMed 0.00002; gnomAD 0.00001.
gnomAD v4.1: 22 of 1,592,426 alleles (0.0014%); highest among the groups gnomAD compares: Middle Eastern, 0.033%; no homozygotes.

Submission:

Labcorp Genetics (formerly Invitae), Labcorp
Classification: Uncertain significance for Congenital myasthenic syndrome 8. Last evaluated: 2025-01-24. Review status: criteria provided, single submitter. Criteria: Invitae Variant Classification Sherloc (09022015). Collection method: clinical testing. Allele origin: germline.
Comment: This sequence change replaces proline, which is neutral and non-polar, with leucine, which is neutral and non-polar, at codon 1577 of the AGRN protein (p.Pro1577Leu). This variant is present in population databases (no rsID available, gnomAD 0.007%). This variant has not been reported in the literature in individuals affected with AGRN-related conditions. ClinVar contains an entry for this variant (Variation ID: 1041945). An algorithm developed to predict the effect of missense changes on protein structure and function outputs the following: PolyPhen-2: "Benign". The leucine amino acid residue is found in multiple mammalian species, which suggests that this missense change does not adversely affect protein function. In summary, the available evidence is currently insufficient to determine the role of this variant in disease. Therefore, it has been classified as a Variant of Uncertain Significance.